The following is an entry in ClinVar:

ClinVar aggregate classification (germline): Pathogenic (1 of 4 stars; one submission).

Conditions:
Spondyloepiphyseal dysplasia with congenital joint dislocations (SEDCJD). Also called: Chondrodysplasia with Congenital Joint Dislocations, CHST3-Related. Identifiers: Orphanet 263463, MedGen C1837657, MONDO:0007738, OMIM 143095.

Submission:

Labcorp Genetics (formerly Invitae), Labcorp
Classification: Pathogenic for Spondyloepiphyseal dysplasia with congenital joint dislocations. Last evaluated: 2025-10-20. Review status: criteria provided, single submitter. Criteria: Invitae Variant Classification Sherloc (09022015). Collection method: clinical testing. Allele origin: germline.
Comment: This sequence change creates a premature translational stop signal (p.Leu286Trpfs*48) in the CHST3 gene. While this is not anticipated to result in nonsense mediated decay, it is expected to disrupt the last 194 amino acid(s) of the CHST3 protein. This variant is not present in population databases (gnomAD no frequency). This premature translational stop signal has been observed in individual(s) with clinical features of spondyloepiphyseal dysplasia (internal data). In at least one individual the data is consistent with being in trans (on the opposite chromosome) from a pathogenic variant. ClinVar contains an entry for this variant (Variation ID: 2087753). This variant disrupts the C-terminus of the CHST3 protein. Other variant(s) that disrupt this region (p.Trp321*, p.Gln330*, p.Leu393*) have been observed in individuals with CHST3-related conditions (PMID: 20830804, 32639237; internal data). This suggests that this may be a clinically significant region of the protein. For these reasons, this variant has been classified as Pathogenic.

Literature cited by the submitters: PubMed 20830804; PubMed 32639237.

NM_004273.5(CHST3):c.855del (p.Leu286fs)

Gene: CHST3 (carbohydrate sulfotransferase 3; plus strand). Cytogenetic location: 10q22.1.
Variant type: Deletion.
Coding change: c.855del on transcript NM_004273.5 (MANE Select); coding-DNA position 855, one base deleted (G; older notation c.855delG).
Protein change: p.Leu286fs; shifts the reading frame from leucine 286.
Molecular consequence: frameshift variant.
Genome position (GRCh38, 1-based): chr10:72,007,886, G deleted. VCF-style (leftmost placement, unchanged base first): chr10-72007885-CG-C. GRCh37 (hg19) VCF-style: chr10-73767643-CG-C.
Other names: short protein forms L286fs.
Identifiers: ClinVar variation 2087753 (VCV002087753.4), dbSNP rs2494771271, ClinGen allele CA2580081880.